The following is an entry in ClinVar:

ClinVar aggregate classification (germline): Uncertain significance (1 of 4 stars; one submission).

Submission:

GeneDx
Classification: Uncertain significance. Last evaluated: 2025-04-19. Review status: criteria provided, single submitter. Criteria: GeneDx Variant Classification Process June 2021. Collection method: clinical testing. Allele origin: germline. Affected: yes.
Comment: Not observed at significant frequency in large population cohorts (gnomAD); Nonsense variant predicted to result in protein truncation or nonsense mediated decay in a gene or region of a gene for which loss of function is not a well-established mechanism of disease; Has not been previously published as pathogenic or benign to our knowledge

NM_021072.4(HCN1):c.844G>T (p.Glu282Ter)

Gene: HCN1 (hyperpolarization activated cyclic nucleotide gated potassium channel 1; minus strand). Cytogenetic location: 5p12.
Variant type: single nucleotide variant.
Coding change: c.844G>T on transcript NM_021072.4 (MANE Select); coding-DNA position 844, G replaced by T.
Protein change: p.Glu282Ter; replaces glutamic acid 282 with a stop codon.
Molecular consequence: nonsense.
Genome position (GRCh38, 1-based): chr5:45,645,190, C>A on the plus strand (G>T on the coding strand, the complement: HCN1 is on the minus strand). VCF-style: chr5-45645190-C-A. GRCh37 (hg19) VCF-style: chr5-45645292-C-A.
Other names: short protein forms E282*.
Identifiers: ClinVar variation 4282339 (VCV004282339.1).